The following is an entry in ClinVar:

ClinVar aggregate classification (germline): Conflicting classifications of pathogenicity. Review status: criteria provided, conflicting classifications (1 of 4 stars). 2 submissions from 2 submitters: Uncertain significance (1); Likely benign (1). Last evaluated 2026-07-23.

Conditions:
Hereditary cancer-predisposing syndrome. Also called: Neoplastic Syndromes, Hereditary; Hereditary Cancer Syndrome; Hereditary neoplastic syndrome; Tumor predisposition. Identifiers: Orphanet 140162, MedGen C0027672, MeSH D009386, MONDO:0015356.
Ataxia-telangiectasia syndrome (AT). Also called: LOUIS-BAR SYNDROME; Ataxia telangiectasia (A-T); Ataxia-telangiectasia, complementation group D; AT, COMPLEMENTATION GROUP C; Cerebello-oculocutaneous telangiectasia; Immunodeficiency with ataxia telangiectasia. Identifiers: Orphanet 100, MedGen C0004135, MONDO:0008840, OMIM 208900.

Submissions (2):

Ambry Genetics
Classification: Likely benign for Hereditary cancer-predisposing syndrome. Last evaluated: 2026-07-23. Review status: criteria provided, single submitter. Criteria: Ambry Variant Classification Scheme 2023. Collection method: clinical testing. Allele origin: germline.

Labcorp Genetics (formerly Invitae), Labcorp
Classification: Uncertain significance for Ataxia-telangiectasia syndrome. Last evaluated: 2018-03-15. Review status: criteria provided, single submitter. Criteria: Invitae Variant Classification Sherloc (09022015). Collection method: clinical testing. Allele origin: germline.
Comment: In summary, the available evidence is currently insufficient to determine the role of this variant in disease. Therefore, it has been classified as a Variant of Uncertain Significance. Algorithms developed to predict the effect of sequence changes on RNA splicing suggest that this variant may create or strengthen a splice site, but this prediction has not been confirmed by published transcriptional studies. Algorithms developed to predict the effect of missense changes on protein structure and function output the following: SIFT: "Tolerated"; PolyPhen-2: "Benign"; Align-GVGD: "Class C0". The arginine amino acid residue is found in multiple mammalian species, suggesting that this missense change does not adversely affect protein function. These predictions have not been confirmed by published functional studies and their clinical significance is uncertain. This variant has not been reported in the literature in individuals with ATM-related disease. This variant is not present in population databases (ExAC no frequency). This sequence change replaces glycine with arginine at codon 833 of the ATM protein (p.Gly833Arg). The glycine residue is weakly conserved and there is a moderate physicochemical difference between glycine and arginine.

NM_000051.4(ATM):c.2497G>A (p.Gly833Arg)

Gene: ATM (ATM serine/threonine kinase; plus strand). Cytogenetic location: 11q22.3.
Variant type: single nucleotide variant.
Coding change: c.2497G>A on transcript NM_000051.4 (MANE Select); coding-DNA position 2497, G replaced by A.
Protein change: p.Gly833Arg; replaces glycine 833 with arginine.
Molecular consequence: missense variant.
Genome position (GRCh38, 1-based): chr11:108,267,201, G>A. VCF-style: chr11-108267201-G-A. GRCh37 (hg19) VCF-style: chr11-108137928-G-A.
Other names: c.2497G>A, p.Gly833Arg (NM_001351834.2); short protein forms G833R.
Identifiers: ClinVar variation 583162 (VCV000583162.9), dbSNP rs876658804, ClinGen allele CA382543275.